The following is an entry in ClinVar:

NM_013266.4(CTNNA3):c.1733-1G>C

Gene: CTNNA3 (catenin alpha 3; minus strand). Cytogenetic location: 10q21.3.
Variant type: single nucleotide variant.
Coding change: c.1733-1G>C on transcript NM_013266.4 (MANE Select); the canonical splice acceptor site of the intron before coding-DNA position 1733, G replaced by C.
Molecular consequence: splice acceptor variant.
Genome position (GRCh38, 1-based): chr10:66,280,622, C>G on the plus strand (G>C on the coding strand, the complement: CTNNA3 is on the minus strand). VCF-style: chr10-66280622-C-G. GRCh37 (hg19) VCF-style: chr10-68040380-C-G.
Other names: c.1733-1G>C (NM_001127384.3).
Identifiers: ClinVar variation 541662 (VCV000541662.9), dbSNP rs193155648, ClinGen allele CA5519828.

ClinVar aggregate classification (germline): Conflicting classifications of pathogenicity. Review status: criteria provided, conflicting classifications (1 of 4 stars). 3 submissions from 3 submitters: Uncertain significance (2); Likely benign (1). Last evaluated 2025-11-22.

Conditions:
Arrhythmogenic right ventricular dysplasia 13. Also called: ARRHYTHMOGENIC RIGHT VENTRICULAR CARDIOMYOPATHY 13; Arrhythmogenic right ventricular dysplasia, familial, 13. Identifiers: MedGen C3810138, MONDO:0000908, OMIM 615616.

Allele frequency attached by ClinVar (database versions not stated): gnomAD 0.00001; TOPMed 0.00002; ExAC 0.00003; ESP Exome Variant Server 0.00008.
gnomAD v4.1: 39 of 1,601,282 alleles (0.0024%); highest among the groups gnomAD compares: Non-Finnish European, 0.0031%; no homozygotes.

Submissions (3):

Labcorp Genetics (formerly Invitae), Labcorp
Classification: Uncertain significance for Arrhythmogenic right ventricular dysplasia 13. Last evaluated: 2025-11-22. Review status: criteria provided, single submitter. Criteria: Invitae Variant Classification Sherloc (09022015). Collection method: clinical testing. Allele origin: germline.
Comment: This sequence change affects an acceptor splice site in intron 12 of the CTNNA3 gene. It is expected to disrupt RNA splicing. Variants that disrupt the donor or acceptor splice site typically lead to a loss of protein function (PMID: 16199547), however the current clinical and genetic evidence is not sufficient to establish whether loss-of-function variants in CTNNA3 cause disease. This variant is present in population databases (rs193155648, gnomAD 0.005%). This variant has not been reported in the literature in individuals affected with CTNNA3-related conditions. ClinVar contains an entry for this variant (Variation ID: 541662). Algorithms developed to predict the effect of sequence changes on RNA splicing suggest that this variant may disrupt the consensus splice site. In summary, the available evidence is currently insufficient to determine the role of this variant in disease. Therefore, it has been classified as a Variant of Uncertain Significance.

Women's Health and Genetics/Laboratory Corporation of America, LabCorp
Classification: Uncertain significance. Last evaluated: 2025-10-13. Review status: criteria provided, single submitter. Criteria: LabCorp Variant Classification Summary - May 2015. Collection method: clinical testing. Allele origin: germline.
Comment: Variant summary: CTNNA3 c.1733-1G>C is located in a canonical splice-site and is predicted to affect mRNA splicing resulting in a significantly altered protein due to either exon skipping, shortening, or inclusion of intronic material. Variants that disrupt the consensus splice site are a relatively common cause of aberrant splicing, however current evidence is not sufficient to establish loss of function as a mechanism for disease. The variant allele was found at a frequency of 1.6e-05 in 242510 control chromosomes. The available data on variant occurrences in the general population are insufficient to allow any conclusion about variant significance. To our knowledge, no occurrence of c.1733-1G>C in individuals affected with CTNNA3-related conditions and no experimental evidence demonstrating its impact on protein function have been reported. ClinVar contains an entry for this variant (Variation ID: 541662). Based on the evidence outlined above, the variant was classified as uncertain significance.

Blueprint Genetics
Classification: Likely benign. Last evaluated: 2022-07-12. Review status: criteria provided, single submitter. Criteria: ACMG Guidelines, 2015. Collection method: clinical testing. Allele origin: germline.

Literature cited by the submitters: PubMed 16199547 (cited by Labcorp Genetics (formerly Invitae), Labcorp).